The following is an entry in ClinVar:

NM_001813.3(CENPE):c.7836T>C (p.Thr2612=)

Gene: CENPE (centromere protein E; minus strand). Cytogenetic location: 4q24.
Variant type: single nucleotide variant.
Coding change: c.7836T>C on transcript NM_001813.3 (MANE Select); coding-DNA position 7836, T replaced by C.
Protein change: p.Thr2612=; no amino-acid change (threonine 2612 retained).
Molecular consequence: synonymous variant.
Genome position (GRCh38, 1-based): chr4:103,108,978, A>G on the plus strand (T>C on the coding strand, the complement: CENPE is on the minus strand). VCF-style: chr4-103108978-A-G. GRCh37 (hg19) VCF-style: chr4-104030135-A-G.
Other names: c.7473T>C, p.Thr2491= (NM_001286734.2).
Identifiers: ClinVar variation 5039040 (VCV005039040.1).

ClinVar aggregate classification (germline): Likely benign (1 of 4 stars; one submission).

gnomAD v4.1: 22 of 1,613,724 alleles (0.0014%); highest among the groups gnomAD compares: Non-Finnish European, 0.00034%; no homozygotes.

Submission:

CeGaT Center for Human Genetics Tuebingen
Classification: Likely benign. Last evaluated: 2026-08-01. Review status: criteria provided, single submitter. Criteria: CeGaT Center For Human Genetics Tuebingen Variant Classification Criteria Version 2. Collection method: clinical testing. Allele origin: germline. Affected: yes. Observed: 1 variant allele.
Comment: CENPE: BP4, BP7